The following is an entry in ClinVar:

NM_001256789.3(CACNA1F):c.1491-7C>T

Gene: CACNA1F (calcium voltage-gated channel subunit alpha1 F; minus strand). Cytogenetic location: Xp11.23.
Variant type: single nucleotide variant.
Coding change: c.1491-7C>T on transcript NM_001256789.3 (MANE Select); 7 bases into the intron before coding-DNA position 1491, C replaced by T.
Molecular consequence: intron variant.
Genome position (GRCh38, 1-based): chrX:49,226,076, G>A on the plus strand (C>T on the coding strand, the complement: CACNA1F is on the minus strand). VCF-style: chrX-49226076-G-A. GRCh37 (hg19) VCF-style: chrX-49082538-G-A.
Other names: c.1524-7C>T (NM_005183.4); c.1329-7C>T (NM_001256790.3).
Identifiers: ClinVar variation 4083686 (VCV004083686.9).
Genomic context (GRCh38, chrX:49,226,076, plus strand): 5'-ACTGCCCGACGGCAGCGTGCCCGAAGGACCCGGTTGGCTCGGCGGAGGCGGCGGCTGGGG[G>A]AAGGGGAGCCCACAGGCTGAGATCACCTACCTAAGCCTGCCCTGGGGGGCTCAGGTGGGG-3'

ClinVar aggregate classification (germline): Likely benign. Review status: criteria provided, multiple submitters, no conflicts (2 of 4 stars). 2 submissions from 2 submitters: Likely benign (2). Last evaluated 2025-06-01.

gnomAD v4.1: 42 of 1,192,351 alleles (0.0035%); highest among the groups gnomAD compares: Middle Eastern, 0.023%; no homozygotes.

Submissions (2):

CeGaT Center for Human Genetics Tuebingen
Classification: Likely benign. Last evaluated: 2025-06-01. Review status: criteria provided, single submitter. Criteria: CeGaT Center For Human Genetics Tuebingen Variant Classification Criteria Version 2. Collection method: clinical testing. Allele origin: germline. Affected: yes. Observed: 1 variant allele.
Comment: CACNA1F: BP4, BS2

Blueprint Genetics
Classification: Likely benign. Last evaluated: 2022-11-01. Review status: criteria provided, single submitter. Criteria: ACMG Guidelines, 2015. Collection method: clinical testing. Allele origin: germline.